The following is an entry in ClinVar:

ClinVar aggregate classification (germline): Likely benign. Review status: criteria provided, multiple submitters, no conflicts (2 of 4 stars). 2 submissions from 2 submitters: Likely benign (2). Last evaluated 2026-09-23.

Conditions:
Neurofibromatosis, type 1 (NF1). Also called: NEUROFIBROMATOSIS, TYPE I, SOMATIC; Neurofibromatosis, type I; VON RECKLINGHAUSEN DISEASE; Peripheral type neurofibromatosis. Identifiers: Orphanet 636, MedGen C0027831, MONDO:0018975, OMIM 162200. Disease mechanism: loss of function.

Allele frequency attached by ClinVar (database versions not stated): TOPMed 0.00001; gnomAD exomes 0.00001; ExAC 0.00002.

Submissions (2):

Myriad Genetics, Inc.
Classification: Likely benign for Neurofibromatosis, type 1. Last evaluated: 2026-09-23. Review status: criteria provided, single submitter. Criteria: Myriad Autosomal Dominant, Autosomal Recessive and X-Linked Classification Criteria (2023). Collection method: clinical testing. Allele origin: unknown.
Comment: This variant is considered likely benign. This variant is intronic and is not expected to impact mRNA splicing.

Labcorp Genetics (formerly Invitae), Labcorp
Classification: Likely benign for Neurofibromatosis, type 1. Last evaluated: 2026-01-13. Review status: criteria provided, single submitter. Criteria: Invitae Variant Classification Sherloc (09022015). Collection method: clinical testing. Allele origin: germline.

NM_001042492.3(NF1):c.1393-16T>C

Gene: NF1 (neurofibromin 1; plus strand). Cytogenetic location: 17q11.2.
Variant type: single nucleotide variant.
Coding change: c.1393-16T>C on transcript NM_001042492.3 (MANE Select); 16 bases into the intron before coding-DNA position 1393, T replaced by C.
Molecular consequence: intron variant.
Genome position (GRCh38, 1-based): chr17:31,214,435, T>C. VCF-style: chr17-31214435-T-C. GRCh37 (hg19) VCF-style: chr17-29541453-T-C.
Other names: c.1393-16T>C (NM_000267.4, NM_001128147.3).
Identifiers: ClinVar variation 1623276 (VCV001623276.9), dbSNP rs776335573, ClinGen allele CA8485783.